The following is an entry in ClinVar:

ClinVar aggregate classification (germline): Uncertain significance. Review status: criteria provided, multiple submitters, no conflicts (2 of 4 stars). 2 submissions from 2 submitters: Uncertain significance (2). Last evaluated 2023-02-20.

Conditions:
Hereditary cancer-predisposing syndrome. Also called: Hereditary Cancer Syndrome; Neoplastic Syndromes, Hereditary; Tumor predisposition; Hereditary neoplastic syndrome. Identifiers: Orphanet 140162, MedGen C0027672, MeSH D009386, MONDO:0015356.
Familial adenomatous polyposis 1 (FAP1). Also called: FAMILIAL ADENOMATOUS POLYPOSIS 1, ATTENUATED; POLYPOSIS, ADENOMATOUS INTESTINAL. Identifiers: MedGen C2713442, MONDO:0021056, OMIM 175100. Disease mechanism: loss of function.

Submissions (2):

Labcorp Genetics (formerly Invitae), Labcorp
Classification: Uncertain significance for Familial adenomatous polyposis 1. Last evaluated: 2023-02-20. Review status: criteria provided, single submitter. Criteria: Invitae Variant Classification Sherloc (09022015). Collection method: clinical testing. Allele origin: germline.
Comment: Advanced modeling of protein sequence and biophysical properties (such as structural, functional, and spatial information, amino acid conservation, physicochemical variation, residue mobility, and thermodynamic stability) performed at Invitae indicates that this missense variant is not expected to disrupt APC protein function. In summary, the available evidence is currently insufficient to determine the role of this variant in disease. Therefore, it has been classified as a Variant of Uncertain Significance. Algorithms developed to predict the effect of sequence changes on RNA splicing suggest that this variant may disrupt the consensus splice site. ClinVar contains an entry for this variant (Variation ID: 1745843). This variant has not been reported in the literature in individuals affected with APC-related conditions. This variant is not present in population databases (gnomAD no frequency). This sequence change replaces proline, which is neutral and non-polar, with serine, which is neutral and polar, at codon 173 of the APC protein (p.Pro173Ser).

Ambry Genetics
Classification: Uncertain significance for Hereditary cancer-predisposing syndrome. Last evaluated: 2020-10-05. Review status: criteria provided, single submitter. Criteria: Ambry Variant Classification Scheme 2023. Collection method: clinical testing. Allele origin: germline.
Comment: The p.P173S variant (also known as c.517C>T), located in coding exon 4 of the APC gene, results from a C to T substitution at nucleotide position 517. The proline at codon 173 is replaced by serine, an amino acid with similar properties. This amino acid position is highly conserved in available vertebrate species. In addition, in silico predictors for this gene do not accurately predict pathogenicity. Since supporting evidence is limited at this time, the clinical significance of this alteration remains unclear.

NM_000038.6(APC):c.517C>T (p.Pro173Ser)

Gene: APC (APC regulator of Wnt signaling pathway; plus strand). Cytogenetic location: 5q22.2.
Variant type: single nucleotide variant.
Coding change: c.517C>T on transcript NM_000038.6 (MANE Select); coding-DNA position 517, C replaced by T.
Protein change: p.Pro173Ser; replaces proline 173 with serine.
Molecular consequence: missense variant. On other transcripts: 5 prime UTR variant (1).
Genome position (GRCh38, 1-based): chr5:112,775,723, C>T. VCF-style: chr5-112775723-C-T. GRCh37 (hg19) VCF-style: chr5-112111420-C-T.
Other names: c.517C>T, p.Pro173Ser (NM_001127510.3, NM_001354895.2, NM_001354896.2 and 16 more transcripts); c.547C>T, p.Pro183Ser (NM_001127511.3, NM_001354897.2, NM_001354902.2 and 1 more transcripts); c.442C>T, p.Pro148Ser (NM_001354898.2, NM_001354904.2, NM_001407451.1); c.340C>T, p.Pro114Ser (NM_001354900.2, NM_001354901.2, NM_001354905.2 and 1 more transcripts); c.-519C>T (NM_001354906.2, NM_001407470.1, NM_001407471.1 and 1 more transcripts); short protein forms P148S, P183S, P114S, P173S.
Identifiers: ClinVar variation 1745843 (VCV001745843.5), dbSNP rs1370818467, ClinGen allele CA16022458.